The following is an entry in ClinVar:

NM_001244008.2(KIF1A):c.133G>C (p.Glu45Gln)

Gene: KIF1A (kinesin family member 1A; minus strand). Cytogenetic location: 2q37.3.
Variant type: single nucleotide variant.
Coding change: c.133G>C on transcript NM_001244008.2 (MANE Select); coding-DNA position 133, G replaced by C.
Protein change: p.Glu45Gln; replaces glutamic acid 45 with glutamine.
Molecular consequence: missense variant.
Genome position (GRCh38, 1-based): chr2:240,789,286, C>G on the plus strand (G>C on the coding strand, the complement: KIF1A is on the minus strand). VCF-style: chr2-240789286-C-G. GRCh37 (hg19) VCF-style: chr2-241728703-C-G.
Other names: c.133G>C, p.Glu45Gln (NM_001320705.2, NM_001330289.2, NM_001330290.2 and 21 more transcripts); short protein forms E45Q.
Identifiers: ClinVar variation 1978611 (VCV001978611.4), dbSNP rs549637772, ClinGen allele CA351311785.

ClinVar aggregate classification (germline): Uncertain significance (1 of 4 stars; one submission).

Conditions:
Hereditary spastic paraplegia 30. Identifiers: Orphanet 101010, MedGen C5235139, MONDO:0012476.
Neuropathy, hereditary sensory, type 2C. Also called: Hereditary sensory and autonomic neuropathy type IIC; KIF1A-Related HSAN2 (HSAN2C). Identifiers: Orphanet 970, MedGen C3280168, MONDO:0013634, OMIM 614213.
Intellectual disability, autosomal dominant 9 (NESCAVS). Also called: NESCAV SYNDROME; KIF1A-Related Neurodevelopmental Disorder. Identifiers: Orphanet 662367, MedGen C5393830, MONDO:0013656, OMIM 614255.

Submission:

Labcorp Genetics (formerly Invitae), Labcorp
Classification: Uncertain significance for Hereditary spastic paraplegia 30; Neuropathy, hereditary sensory, type 2C; Intellectual disability, autosomal dominant 9. Last evaluated: 2021-12-08. Review status: criteria provided, single submitter. Criteria: Invitae Variant Classification Sherloc (09022015). Collection method: clinical testing. Allele origin: germline.
Comment: Advanced modeling of protein sequence and biophysical properties (such as structural, functional, and spatial information, amino acid conservation, physicochemical variation, residue mobility, and thermodynamic stability) performed at Invitae indicates that this missense variant is expected to disrupt KIF1A protein function. This sequence change replaces glutamic acid, which is acidic and polar, with glutamine, which is neutral and polar, at codon 45 of the KIF1A protein (p.Glu45Gln). This variant is not present in population databases (gnomAD no frequency). This variant has not been reported in the literature in individuals affected with KIF1A-related conditions. In summary, the available evidence is currently insufficient to determine the role of this variant in disease. Therefore, it has been classified as a Variant of Uncertain Significance.